The following is an entry in ClinVar:

ClinVar aggregate classification (germline): Benign/Likely benign. Review status: criteria provided, multiple submitters, no conflicts (2 of 4 stars). 4 submissions from 4 submitters: Benign (2); Likely benign (1). 1 of the submissions does not count toward it. Last evaluated 2025-04-09.

Conditions:
NRAP-related disorder. Also called: NRAP-related condition.

Allele frequency attached by ClinVar (database versions not stated): ExAC 0.00311; gnomAD 0.01089; ESP Exome Variant Server 0.01138; TOPMed 0.01156; 1000 Genomes Project 0.01657; 1000 Genomes Project 30x 0.01686.
gnomAD v4.1: 3,212 of 1,612,996 alleles (0.2%); highest among the groups gnomAD compares: African/African-American, 3.6%; 60 homozygotes.

Submissions (4):

Molecular Diagnostic Laboratory for Inherited Cardiovascular Disease, Montreal Heart Institute
Classification: Likely benign. Last evaluated: 2025-04-09. Review status: criteria provided, single submitter. Criteria: ACMG Guidelines, 2015. Collection method: clinical testing. Allele origin: germline. Affected: no.

Labcorp Genetics (formerly Invitae), Labcorp
Classification: Benign. Last evaluated: 2018-09-19. Review status: criteria provided, single submitter. Criteria: Invitae Variant Classification Sherloc (09022015). Collection method: clinical testing. Allele origin: germline.

Breakthrough Genomics
Classification: Benign. Review status: criteria provided, single submitter. Criteria: ACMG Guidelines, 2015. Collection method: not provided. Allele origin: germline. Inheritance: Unknown mechanism. Affected: yes.

PreventionGenetics, part of Exact Sciences
Classification: Benign for NRAP-related condition. Last evaluated: 2019-07-29. Review status: no assertion criteria provided. Collection method: clinical testing. Allele origin: germline. Not counted in ClinVar's aggregate classification.
Comment: This variant is classified as benign based on ACMG/AMP sequence variant interpretation guidelines (Richards et al. 2015 PMID: 25741868, with internal and published modifications).

NM_198060.4(NRAP):c.4927G>T (p.Ala1643Ser)

Gene: NRAP (nebulin related anchoring protein; minus strand). Cytogenetic location: 10q25.3.
Variant type: single nucleotide variant.
Coding change: c.4927G>T on transcript NM_198060.4 (MANE Select); coding-DNA position 4927, G replaced by T.
Protein change: p.Ala1643Ser; replaces alanine 1643 with serine.
Molecular consequence: missense variant.
Genome position (GRCh38, 1-based): chr10:113,590,607, C>A on the plus strand (G>T on the coding strand, the complement: NRAP is on the minus strand). VCF-style: chr10-113590607-C-A. GRCh37 (hg19) VCF-style: chr10-115350366-C-A.
Other names: c.4927G>T, p.Ala1643Ser (NM_001261463.2); c.4819G>T, p.Ala1607Ser (NM_001322945.2); c.4822G>T, p.Ala1608Ser (NM_006175.5); c.4927G>T (NM_198060.3); short protein forms A1608S, A1607S, A1643S.
Identifiers: ClinVar variation 776544 (VCV000776544.7), dbSNP rs11575797, ClinGen allele CA5694248.